The following is an entry in ClinVar:

ClinVar aggregate classification (germline): Uncertain significance (1 of 4 stars; one submission).

Conditions:
Left ventricular noncompaction 1 (LVNC1). Also called: LEFT VENTRICULAR NONCOMPACTION 1 WITH OR WITHOUT CONGENITAL HEART DEFECTS. Identifiers: Orphanet 54260, MedGen C1858725, MONDO:0011403, OMIM 604169.

Submission:

Labcorp Genetics (formerly Invitae), Labcorp
Classification: Uncertain significance for Left ventricular noncompaction 1. Last evaluated: 2024-06-09. Review status: criteria provided, single submitter. Criteria: Invitae Variant Classification Sherloc (09022015). Collection method: clinical testing. Allele origin: germline.
Comment: This sequence change replaces cysteine, which is neutral and slightly polar, with tyrosine, which is neutral and polar, at codon 197 of the DTNA protein (p.Cys197Tyr). This variant is not present in population databases (gnomAD no frequency). This variant has not been reported in the literature in individuals affected with DTNA-related conditions. Advanced modeling of protein sequence and biophysical properties (such as structural, functional, and spatial information, amino acid conservation, physicochemical variation, residue mobility, and thermodynamic stability) has been performed at Invitae for this missense variant, however the output from this modeling did not meet the statistical confidence thresholds required to predict the impact of this variant on DTNA protein function. In summary, the available evidence is currently insufficient to determine the role of this variant in disease. Therefore, it has been classified as a Variant of Uncertain Significance.

NM_001386795.1(DTNA):c.590G>A (p.Cys197Tyr)

Gene: DTNA (dystrobrevin alpha; plus strand). Cytogenetic location: 18q12.1.
Variant type: single nucleotide variant.
Coding change: c.590G>A on transcript NM_001386795.1 (MANE Select); coding-DNA position 590, G replaced by A.
Protein change: p.Cys197Tyr; replaces cysteine 197 with tyrosine.
Molecular consequence: missense variant.
Genome position (GRCh38, 1-based): chr18:34,812,100, G>A. VCF-style: chr18-34812100-G-A. GRCh37 (hg19) VCF-style: chr18-32392064-G-A.
Other names: c.590G>A, p.Cys197Tyr (NM_032975.4, NM_032978.7, NM_032979.5 and 35 more transcripts); short protein forms C197Y.
Identifiers: ClinVar variation 3655985 (VCV003655985.2).